The following is an entry in ClinVar:

NM_001129.5(AEBP1):c.1711C>T (p.Arg571Cys)

Gene: AEBP1 (AE binding protein 1; plus strand). Cytogenetic location: 7p13.
Variant type: single nucleotide variant.
Coding change: c.1711C>T on transcript NM_001129.5 (MANE Select); coding-DNA position 1711, C replaced by T.
Protein change: p.Arg571Cys; replaces arginine 571 with cysteine.
Molecular consequence: missense variant.
Genome position (GRCh38, 1-based): chr7:44,111,234, C>T. VCF-style: chr7-44111234-C-T. GRCh37 (hg19) VCF-style: chr7-44150833-C-T.
Other names: short protein forms R571C.
Identifiers: ClinVar variation 3902414 (VCV003902414.1).
Genomic context (GRCh38, chr7:44,111,234, plus strand): 5'-CAGAATGAGGTGGTGGCCACCGATGACCTGGATTTCCGGCACCACAGCTACAAGGACATG[C>T]GCCAGGTTGGGAGCATATATCCTGGGGCTGGGGGTGGGACCTGTCTGTGGCTGACGGGAG-3'
Protein context (NP_001120.3, residues 561-581): DFRHHSYKDM[Arg571Cys]QLMKVVNEEC

ClinVar aggregate classification (germline): Uncertain significance (1 of 4 stars; one submission).

gnomAD v4.1: 3 of 1,513,574 alleles (0.0002%); highest among the groups gnomAD compares: Non-Finnish European, 0.00027%; no homozygotes.

Submission:

Women's Health and Genetics/Laboratory Corporation of America, LabCorp
Classification: Uncertain significance. Last evaluated: 2025-05-08. Review status: criteria provided, single submitter. Criteria: LabCorp Variant Classification Summary - May 2015. Collection method: clinical testing. Allele origin: germline.
Comment: Variant summary: AEBP1 c.1711C>T (p.Arg571Cys) results in a non-conservative amino acid change in the encoded protein sequence. Algorithms developed to predict the effect of missense changes on protein structure and function are either unavailable or do not agree on the potential impact of this missense change. The variant was absent in 176860 control chromosomes. The available data on variant occurrences in the general population are insufficient to allow any conclusion about variant significance. To our knowledge, no occurrence of c.1711C>T in individuals affected with Ehlers-Danlos syndrome, classic-like, 2 and no experimental evidence demonstrating its impact on protein function have been reported. No submitters have cited clinical-significance assessments for this variant to ClinVar. Based on the evidence outlined above, the variant was classified as uncertain significance.